The following is an entry in ClinVar:

ClinVar aggregate classification (germline): Uncertain significance. Review status: criteria provided, multiple submitters, no conflicts (2 of 4 stars). 2 submissions from 2 submitters: Uncertain significance (2). Last evaluated 2024-03-24.

Conditions:
Cardiovascular phenotype. Identifiers: MedGen CN230736.

Allele frequency attached by ClinVar (database versions not stated): ExAC 0.00002; gnomAD exomes 0.00002 and 0.00007; gnomAD 0.00005; TOPMed 0.00011.
gnomAD v4.1: 37 of 1,612,614 alleles (0.0023%); highest among the groups gnomAD compares: Middle Eastern, 0.033%; no homozygotes.

Submissions (2):

Ambry Genetics
Classification: Uncertain significance for Cardiovascular phenotype. Last evaluated: 2024-03-24. Review status: criteria provided, single submitter. Criteria: Ambry Variant Classification Scheme 2023. Collection method: clinical testing. Allele origin: germline.
Comment: The p.I2758T variant (also known as c.8273T>C), located in coding exon 23 of the TNXB gene, results from a T to C substitution at nucleotide position 8273. The isoleucine at codon 2758 is replaced by threonine, an amino acid with similar properties. This amino acid position is conserved. In addition, this alteration is predicted to be tolerated by in silico analysis. Since supporting evidence is limited at this time, the clinical significance of this alteration remains unclear.

GeneDx
Classification: Uncertain significance. Last evaluated: 2023-11-15. Review status: criteria provided, single submitter. Criteria: GeneDx Variant Classification Process June 2021. Collection method: clinical testing. Allele origin: germline. Affected: yes.
Comment: Has not been previously published as pathogenic or benign to our knowledge; In silico analysis supports that this missense variant does not alter protein structure/function

NM_001365276.2(TNXB):c.8273T>C (p.Ile2758Thr)

Gene: TNXB (tenascin XB; minus strand). Cytogenetic location: 6p21.33.
Variant type: single nucleotide variant.
Coding change: c.8273T>C on transcript NM_001365276.2 (MANE Select); coding-DNA position 8273, T replaced by C.
Protein change: p.Ile2758Thr; replaces isoleucine 2758 with threonine.
Molecular consequence: missense variant.
Genome position (GRCh38, 1-based): chr6:32,056,045, A>G on the plus strand (T>C on the coding strand, the complement: TNXB is on the minus strand). VCF-style: chr6-32056045-A-G. GRCh37 (hg19) VCF-style: chr6-32023822-A-G.
Other names: c.8273T>C, p.Ile2758Thr (NM_019105.8); short protein forms I2758T.
Identifiers: ClinVar variation 1314650 (VCV001314650.6), dbSNP rs780826246, ClinGen allele CA3733904.